The following is an entry in ClinVar:

NM_005918.4(MDH2):c.770G>A (p.Arg257His)

Gene: MDH2 (malate dehydrogenase 2; plus strand). Cytogenetic location: 7q11.23.
Variant type: single nucleotide variant.
Coding change: c.770G>A on transcript NM_005918.4 (MANE Select); coding-DNA position 770, G replaced by A.
Protein change: p.Arg257His; replaces arginine 257 with histidine.
Molecular consequence: missense variant.
Genome position (GRCh38, 1-based): chr7:76,064,838, G>A. VCF-style: chr7-76064838-G-A. GRCh37 (hg19) VCF-style: chr7-75694156-G-A.
Other names: c.644G>A, p.Arg215His (NM_001282403.2); c.449G>A, p.Arg150His (NM_001282404.2); short protein forms R215H, R150H, R257H.
Identifiers: ClinVar variation 1760257 (VCV001760257.7), dbSNP rs782015474, ClinGen allele CA4305708.

ClinVar aggregate classification (germline): Uncertain significance. Review status: criteria provided, multiple submitters, no conflicts (2 of 4 stars). 3 submissions from 3 submitters: Uncertain significance (3). Last evaluated 2024-06-23.

Conditions:
Inborn genetic diseases. Identifiers: MedGen C0950123, MeSH D030342.

Allele frequency attached by ClinVar (database versions not stated): gnomAD 0.00001; TOPMed 0.00001; gnomAD exomes 0.00002; ExAC 0.00004.
gnomAD v4.1: 33 of 1,614,028 alleles (0.002%); highest among the groups gnomAD compares: South Asian, 0.032%; no homozygotes.

Submissions (3):

Ambry Genetics
Classification: Uncertain significance for Inborn genetic diseases. Last evaluated: 2024-06-23. Review status: criteria provided, single submitter. Criteria: Ambry Variant Classification Scheme 2023. Collection method: clinical testing. Allele origin: germline.
Comment: The p.R257H variant (also known as c.770G>A), located in coding exon 8 of the MDH2 gene, results from a G to A substitution at nucleotide position 770. The arginine at codon 257 is replaced by histidine, an amino acid with highly similar properties. This amino acid position is conserved. In addition, this alteration is predicted to be deleterious by in silico analysis. Since supporting evidence is limited at this time, the clinical significance of this alteration remains unclear.

Labcorp Genetics (formerly Invitae), Labcorp
Classification: Uncertain significance. Last evaluated: 2022-05-27. Review status: criteria provided, single submitter. Criteria: Invitae Variant Classification Sherloc (09022015). Collection method: clinical testing. Allele origin: germline.
Comment: This sequence change replaces arginine, which is basic and polar, with histidine, which is basic and polar, at codon 257 of the MDH2 protein (p.Arg257His). This variant is present in population databases (rs782015474, gnomAD 0.03%). In summary, the available evidence is currently insufficient to determine the role of this variant in disease. Therefore, it has been classified as a Variant of Uncertain Significance. Algorithms developed to predict the effect of missense changes on protein structure and function are either unavailable or do not agree on the potential impact of this missense change (SIFT: "Deleterious"; PolyPhen-2: "Probably Damaging"; Align-GVGD: "Class C0"). This variant has not been reported in the literature in individuals affected with MDH2-related conditions.

Blueprint Genetics
Classification: Uncertain significance. Last evaluated: 2022-04-04. Review status: criteria provided, single submitter. Criteria: ACMG Guidelines, 2015. Collection method: clinical testing. Allele origin: germline.